The following is an entry in ClinVar:

ClinVar aggregate classification (germline): Conflicting classifications of pathogenicity. Review status: criteria provided, conflicting classifications (1 of 4 stars). 3 submissions from 3 submitters: Likely pathogenic (1); Uncertain significance (2). Last evaluated 2026-06-01.

Conditions:
Hereditary sensory and autonomic neuropathy type 7. Also called: HSAN VII; Neuropathy, hereditary sensory and autonomic, type VII. Identifiers: Orphanet 391397, MedGen C3809882, MONDO:0014244, OMIM 615548.
Familial episodic pain syndrome with predominantly lower limb involvement. Also called: Episodic pain syndrome, familial, 3. Identifiers: Orphanet 391384, Orphanet 391392, MedGen C3809899, MONDO:0014247, OMIM 615552.

Allele frequency attached by ClinVar (database versions not stated): TOPMed below 0.00001.
gnomAD v4.1: 1 of 1,613,030 alleles (0.000062%); highest among the groups gnomAD compares: Non-Finnish European, 0.000085%; no homozygotes.

Submissions (3):

CeGaT Center for Human Genetics Tuebingen
Classification: Uncertain significance. Last evaluated: 2026-06-01. Review status: criteria provided, single submitter. Criteria: CeGaT Center For Human Genetics Tuebingen Variant Classification Criteria Version 2. Collection method: clinical testing. Allele origin: germline. Affected: yes. Observed: 1 variant allele.
Comment: SCN11A: PM2

Labcorp Genetics (formerly Invitae), Labcorp
Classification: Uncertain significance for Familial episodic pain syndrome with predominantly lower limb involvement; Hereditary sensory and autonomic neuropathy type 7. Last evaluated: 2024-04-25. Review status: criteria provided, single submitter. Criteria: Invitae Variant Classification Sherloc (09022015). Collection method: clinical testing. Allele origin: germline.
Comment: This sequence change creates a premature translational stop signal (p.Trp1122*) in the SCN11A gene. It is expected to result in an absent or disrupted protein product. However, the current clinical and genetic evidence is not sufficient to establish whether loss-of-function variants in SCN11A cause disease. This variant is not present in population databases (gnomAD no frequency). This variant has not been reported in the literature in individuals affected with SCN11A-related conditions. ClinVar contains an entry for this variant (Variation ID: 1675178). In summary, the available evidence is currently insufficient to determine the role of this variant in disease. Therefore, it has been classified as a Variant of Uncertain Significance.

Centre of Medical Genetics, University Hospital Muenster
Classification: Likely pathogenic for Familial episodic pain syndrome with predominantly lower limb involvement. Last evaluated: 2022-03-16. Review status: criteria provided, single submitter. Criteria: ACMG Guidelines, 2015. Collection method: clinical testing. Allele origin: germline. Affected: yes. Observed: 1 variant allele, 1 heterozygote.
Comment: ACMG categories: PVS1,PM4

NM_001349253.2(SCN11A):c.3366G>A (p.Trp1122Ter)

Gene: SCN11A (sodium voltage-gated channel alpha subunit 11; minus strand). Cytogenetic location: 3p22.2.
Variant type: single nucleotide variant.
Coding change: c.3366G>A on transcript NM_001349253.2 (MANE Select); coding-DNA position 3366, G replaced by A.
Protein change: p.Trp1122Ter; replaces tryptophan 1122 with a stop codon.
Molecular consequence: nonsense.
Genome position (GRCh38, 1-based): chr3:38,879,977, C>T on the plus strand (G>A on the coding strand, the complement: SCN11A is on the minus strand). VCF-style: chr3-38879977-C-T. GRCh37 (hg19) VCF-style: chr3-38921468-C-T.
Other names: c.3366G>A, p.Trp1122Ter (NM_014139.3); short protein forms W1122*.
Identifiers: ClinVar variation 1675178 (VCV001675178.6), dbSNP rs1553634884, ClinGen allele CA352172531.